The following is an entry in ClinVar:

ClinVar aggregate classification (germline): Uncertain significance (1 of 4 stars; one submission).

Conditions:
Catecholaminergic polymorphic ventricular tachycardia (CVPT). Also called: Catecholamine-induced polymorphic ventricular tachycardia. Identifiers: Orphanet 3286, MedGen C5574922, MONDO:0017990.

Allele frequency attached by ClinVar (database versions not stated): ExAC 0.00001.

Submission:

All of Us Research Program, National Institutes of Health
Classification: Uncertain significance for Catecholaminergic polymorphic ventricular tachycardia. Last evaluated: 2024-01-11. Review status: criteria provided, single submitter. Criteria: ACMG Guidelines, 2015. Collection method: clinical testing. Allele origin: germline. Inheritance: Autosomal dominant inheritance. Observed: 1 variant allele, 1 heterozygote.
Comment: This study involves interpretation of variants in research participants for the purpose of population health screening. Participant phenotype was not available at the time of variant classification. Additional details can be found in publication PMID: 35346344, PMCID: PMC8962531

NM_001035.3(RYR2):c.14688T>A (p.Asp4896Glu)

Gene: RYR2 (ryanodine receptor 2; plus strand). Cytogenetic location: 1q43.
Variant type: single nucleotide variant.
Coding change: c.14688T>A on transcript NM_001035.3 (MANE Select); coding-DNA position 14688, T replaced by A.
Protein change: p.Asp4896Glu; replaces aspartic acid 4896 with glutamic acid.
Molecular consequence: missense variant.
Genome position (GRCh38, 1-based): chr1:237,830,562, T>A. VCF-style: chr1-237830562-T-A. GRCh37 (hg19) VCF-style: chr1-237993862-T-A.
Other names: short protein forms D4896E.
Identifiers: ClinVar variation 3075344 (VCV003075344.1), dbSNP rs776427376, ClinGen allele CA085715.
Genomic context (GRCh38, chr1:237,830,562, plus strand): 5'-GACGTTAATATTTCCCTTTGTTTTCTAGACCAAATGCTTCATCTGTGGGATAGGCAATGA[T>A]TACTTCGACACAGTGCCACATGGCTTTGAAACCCACACTTTACAGGAGCACAACTTGGCT-3'
Protein context (NP_001026.2, residues 4886-4906): TKCFICGIGN[Asp4896Glu]YFDTVPHGFE